The following is an entry in ClinVar:

ClinVar aggregate classification (germline): Conflicting classifications of pathogenicity. Review status: criteria provided, conflicting classifications (1 of 4 stars). 2 submissions from 2 submitters: Likely pathogenic (1); Uncertain significance (1). Last evaluated 2024-02-19.

Conditions:
Marfan syndrome (MFS). Also called: Marfan syndrome type 1; Marfan's syndrome; FBN1-Related Marfan Syndrome; MARFAN SYNDROME, TYPE I; Marfan syndrome, classic. Identifiers: Orphanet 284963, Orphanet 558, MedGen C0024796, MONDO:0007947, OMIM 154700.
Familial thoracic aortic aneurysm and aortic dissection (TAAD). Also called: Thoracic aortic aneurysms and dissections. Identifiers: Orphanet 91387, MedGen C4707243, MONDO:0019625.

gnomAD v4.1: 1 of 1,613,890 alleles (0.000062%); no homozygotes.

Submissions (2):

Labcorp Genetics (formerly Invitae), Labcorp
Classification: Likely pathogenic for Marfan syndrome; Familial thoracic aortic aneurysm and aortic dissection. Last evaluated: 2024-02-19. Review status: criteria provided, single submitter. Criteria: Invitae Variant Classification Sherloc (09022015). Collection method: clinical testing. Allele origin: germline.
Comment: This sequence change replaces glycine, which is neutral and non-polar, with aspartic acid, which is acidic and polar, at codon 1787 of the FBN1 protein (p.Gly1787Asp). This variant is not present in population databases (gnomAD no frequency). This missense change has been observed in individuals with clinical features of FBN1-related conditions (Invitae). ClinVar contains an entry for this variant (Variation ID: 1303336). Advanced modeling of protein sequence and biophysical properties (such as structural, functional, and spatial information, amino acid conservation, physicochemical variation, residue mobility, and thermodynamic stability) performed at Invitae indicates that this missense variant is expected to disrupt FBN1 protein function with a positive predictive value of 95%. In summary, the currently available evidence indicates that the variant is pathogenic, but additional data are needed to prove that conclusively. Therefore, this variant has been classified as Likely Pathogenic.

GeneDx
Classification: Uncertain significance. Last evaluated: 2019-11-21. Review status: criteria provided, single submitter. Criteria: GeneDx Variant Classification Process June 2021. Collection method: clinical testing. Allele origin: germline. Affected: yes.
Comment: Has not been previously published as pathogenic or benign to our knowledge; Not observed in large population cohorts (Lek et al., 2016); In silico analysis, which includes protein predictors and evolutionary conservation, supports a deleterious effect; Although located in a calcium-binding EGF-like domain of the FBN1 gene, it does not affect a cysteine residue within this domain; cysteine substitutions in the calcium-binding EGF-like domains represent the majority of pathogenic missense changes associated with FBN1-related disorders (Collod-Beroud et al., 2003)

NM_000138.5(FBN1):c.5360G>A (p.Gly1787Asp)

Gene: FBN1 (fibrillin 1; minus strand). Cytogenetic location: 15q21.1.
Variant type: single nucleotide variant.
Coding change: c.5360G>A on transcript NM_000138.5 (MANE Select); coding-DNA position 5360, G replaced by A.
Protein change: p.Gly1787Asp; replaces glycine 1787 with aspartic acid.
Molecular consequence: missense variant.
Genome position (GRCh38, 1-based): chr15:48,456,699, C>T on the plus strand (G>A on the coding strand, the complement: FBN1 is on the minus strand). VCF-style: chr15-48456699-C-T. GRCh37 (hg19) VCF-style: chr15-48748896-C-T.
Other names: short protein forms G1787D.
Identifiers: ClinVar variation 1303336 (VCV001303336.9), dbSNP rs2141260386, ClinGen allele CA392346087.